The following is an entry in ClinVar:

NM_005557.4(KRT16):c.455G>C (p.Trp152Ser)

Gene: KRT16 (keratin 16; minus strand). Cytogenetic location: 17q21.2.
Variant type: single nucleotide variant.
Coding change: c.455G>C on transcript NM_005557.4 (MANE Select); coding-DNA position 455, G replaced by C.
Protein change: p.Trp152Ser; replaces tryptophan 152 with serine.
Molecular consequence: missense variant.
Genome position (GRCh38, 1-based): chr17:41,612,234, C>G on the plus strand (G>C on the coding strand, the complement: KRT16 is on the minus strand). VCF-style: chr17-41612234-C-G. GRCh37 (hg19) VCF-style: chr17-39768486-C-G.
Other names: c.455G>C (NM_005557.3); short protein forms W152S.
Identifiers: ClinVar variation 3614389 (VCV003614389.3).

ClinVar aggregate classification (germline): Uncertain significance. Review status: criteria provided, multiple submitters, no conflicts (2 of 4 stars). 2 submissions from 2 submitters: Uncertain significance (2). Last evaluated 2025-05-16.

Conditions:
Inborn genetic diseases. Identifiers: MedGen C0950123, MeSH D030342.

Submissions (2):

Ambry Genetics
Classification: Uncertain significance for Inborn genetic diseases. Last evaluated: 2025-05-16. Review status: criteria provided, single submitter. Criteria: Ambry Variant Classification Scheme 2023. Collection method: clinical testing. Allele origin: germline.

Labcorp Genetics (formerly Invitae), Labcorp
Classification: Uncertain significance. Last evaluated: 2024-04-14. Review status: criteria provided, single submitter. Criteria: Invitae Variant Classification Sherloc (09022015). Collection method: clinical testing. Allele origin: germline.
Comment: This sequence change replaces tryptophan, which is neutral and slightly polar, with serine, which is neutral and polar, at codon 152 of the KRT16 protein (p.Trp152Ser). This variant is not present in population databases (gnomAD no frequency). This variant has not been reported in the literature in individuals affected with KRT16-related conditions. Advanced modeling of protein sequence and biophysical properties (such as structural, functional, and spatial information, amino acid conservation, physicochemical variation, residue mobility, and thermodynamic stability) performed at Invitae indicates that this missense variant is expected to disrupt KRT16 protein function with a positive predictive value of 80%. In summary, the available evidence is currently insufficient to determine the role of this variant in disease. Therefore, it has been classified as a Variant of Uncertain Significance.